The following is an entry in ClinVar:

ClinVar aggregate classification (germline): Uncertain significance (1 of 4 stars; one submission).

Conditions:
Cardiovascular phenotype. Identifiers: MedGen CN230736.

Submission:

Ambry Genetics
Classification: Uncertain significance for Cardiovascular phenotype. Last evaluated: 2025-08-28. Review status: criteria provided, single submitter. Criteria: Ambry Variant Classification Scheme 2023. Collection method: clinical testing. Allele origin: germline.
Comment: The p.N698I variant (also known as c.2093A>T), located in coding exon 12 of the EPHB4 gene, results from an A to T substitution at nucleotide position 2093. The asparagine at codon 698 is replaced by isoleucine, an amino acid with dissimilar properties. This amino acid position is conserved. In addition, the in silico prediction for this alteration is inconclusive. Based on the available evidence, the clinical significance of this variant remains unclear.

NM_004444.5(EPHB4):c.2093A>T (p.Asn698Ile)

Gene: EPHB4 (EPH receptor B4; minus strand). Cytogenetic location: 7q22.1.
Variant type: single nucleotide variant.
Coding change: c.2093A>T on transcript NM_004444.5 (MANE Select); coding-DNA position 2093, A replaced by T.
Protein change: p.Asn698Ile; replaces asparagine 698 with isoleucine.
Molecular consequence: missense variant.
Genome position (GRCh38, 1-based): chr7:100,812,772, T>A on the plus strand (A>T on the coding strand, the complement: EPHB4 is on the minus strand). VCF-style: chr7-100812772-T-A. GRCh37 (hg19) VCF-style: chr7-100410394-T-A.
Other names: short protein forms N698I.
Identifiers: ClinVar variation 4249974 (VCV004249974.1).